The following is an entry in ClinVar:

NM_000051.4(ATM):c.1752G>C (p.Gln584His)

Gene: ATM (ATM serine/threonine kinase; plus strand). Cytogenetic location: 11q22.3.
Variant type: single nucleotide variant.
Coding change: c.1752G>C on transcript NM_000051.4 (MANE Select); coding-DNA position 1752, G replaced by C.
Protein change: p.Gln584His; replaces glutamine 584 with histidine.
Molecular consequence: missense variant.
Genome position (GRCh38, 1-based): chr11:108,251,981, G>C. VCF-style: chr11-108251981-G-C. GRCh37 (hg19) VCF-style: chr11-108122708-G-C.
Other names: c.1752G>C, p.Gln584His (NM_001351834.2); short protein forms Q584H.
Identifiers: ClinVar variation 2070312 (VCV002070312.5), dbSNP rs2135343108, ClinGen allele CA382535375.
Genomic context (GRCh38, chr11:108,251,981, plus strand): 5'-TGAAGTAAATAGAAGCTTTTCTTTAAAGGAATCAATAATGAAATGGCTCTTATTCTATCA[G>C]TTAGAGGGTGACTTAGAAAATAGCACAGAAGTGCCTCCAATTCTTCACAGGTAATTTAAG-3'
Protein context (NP_000042.3, residues 574-594): ESIMKWLLFY[Gln584His]LEGDLENSTE

ClinVar aggregate classification (germline): Uncertain significance. Review status: criteria provided, multiple submitters, no conflicts (2 of 4 stars). 2 submissions from 2 submitters: Uncertain significance (2). Last evaluated 2026-01-20.

Conditions:
Hereditary cancer-predisposing syndrome. Also called: Neoplastic Syndromes, Hereditary; Tumor predisposition; Hereditary Cancer Syndrome; Hereditary neoplastic syndrome. Identifiers: Orphanet 140162, MedGen C0027672, MeSH D009386, MONDO:0015356.
Ataxia-telangiectasia syndrome (AT). Also called: Cerebello-oculocutaneous telangiectasia; Immunodeficiency with ataxia telangiectasia; LOUIS-BAR SYNDROME; Ataxia-telangiectasia, complementation group D; AT, COMPLEMENTATION GROUP C; ATAXIA-TELANGIECTASIA, COMPLEMENTATION GROUP A. Identifiers: Orphanet 100, MedGen C0004135, MONDO:0008840, OMIM 208900.

Submissions (2):

Ambry Genetics
Classification: Uncertain significance for Hereditary cancer-predisposing syndrome. Last evaluated: 2026-01-20. Review status: criteria provided, single submitter. Criteria: Ambry Variant Classification Scheme 2023. Collection method: clinical testing. Allele origin: germline.
Comment: The p.Q584H variant (also known as c.1752G>C), located in coding exon 10 of the ATM gene, results from a G to C substitution at nucleotide position 1752. The glutamine at codon 584 is replaced by histidine, an amino acid with highly similar properties. This amino acid position is conserved. In addition, this alteration is predicted to be tolerated by in silico analysis. Based on the available evidence, the clinical significance of this variant remains unclear.

Labcorp Genetics (formerly Invitae), Labcorp
Classification: Uncertain significance for Ataxia-telangiectasia syndrome. Last evaluated: 2022-01-02. Review status: criteria provided, single submitter. Criteria: Invitae Variant Classification Sherloc (09022015). Collection method: clinical testing. Allele origin: germline.
Comment: Advanced modeling of protein sequence and biophysical properties (such as structural, functional, and spatial information, amino acid conservation, physicochemical variation, residue mobility, and thermodynamic stability) performed at Invitae indicates that this missense variant is not expected to disrupt ATM protein function. In summary, the available evidence is currently insufficient to determine the role of this variant in disease. Therefore, it has been classified as a Variant of Uncertain Significance. This variant has not been reported in the literature in individuals affected with ATM-related conditions. This sequence change replaces glutamine, which is neutral and polar, with histidine, which is basic and polar, at codon 584 of the ATM protein (p.Gln584His). This variant is not present in population databases (gnomAD no frequency).